The following is an entry in ClinVar:

NM_016553.5(NUP62):c.749C>A (p.Thr250Asn)

Genes: IL4I1 (interleukin 4 induced 1; minus strand), NUP62 (nucleoporin 62; minus strand). Cytogenetic location: 19q13.33.
Variant type: single nucleotide variant.
Coding change: c.749C>A on transcript NM_016553.5 (MANE Select); coding-DNA position 749, C replaced by A.
Protein change: p.Thr250Asn; replaces threonine 250 with asparagine.
Molecular consequence: missense variant. On other transcripts: intron variant (3).
Genome position (GRCh38, 1-based): chr19:49,909,059, G>T on the plus strand (C>A on the coding strand, the complement: NUP62 is on the minus strand). VCF-style: chr19-49909059-G-T. GRCh37 (hg19) VCF-style: chr19-50412316-G-T.
Other names: c.749C>A, p.Thr250Asn (NM_001193357.2, NM_012346.5, NM_153718.4 and 1 more transcripts); c.-227-4738C>A (NM_001258017.2, NM_172374.3); c.-285-4738C>A (NM_001258018.2); short protein forms T250N.
Identifiers: ClinVar variation 1914469 (VCV001914469.5), dbSNP rs776473346, ClinGen allele CA9589061.

ClinVar aggregate classification (germline): Uncertain significance. Review status: criteria provided, multiple submitters, no conflicts (2 of 4 stars). 2 submissions from 2 submitters: Uncertain significance (2). Last evaluated 2024-05-06.

Allele frequency attached by ClinVar (database versions not stated): ExAC 0.00007; TOPMed below 0.00001; gnomAD 0.00001.
gnomAD v4.1: 51 of 1,612,900 alleles (0.0032%); highest among the groups gnomAD compares: South Asian, 0.031%; no homozygotes.

Submissions (2):

Labcorp Genetics (formerly Invitae), Labcorp
Classification: Uncertain significance. Last evaluated: 2024-05-06. Review status: criteria provided, single submitter. Criteria: Invitae Variant Classification Sherloc (09022015). Collection method: clinical testing. Allele origin: germline.
Comment: This sequence change replaces threonine, which is neutral and polar, with asparagine, which is neutral and polar, at codon 250 of the NUP62 protein (p.Thr250Asn). This variant is present in population databases (rs776473346, gnomAD 0.04%). This variant has not been reported in the literature in individuals affected with NUP62-related conditions. ClinVar contains an entry for this variant (Variation ID: 1914469). An algorithm developed to predict the effect of missense changes on protein structure and function (PolyPhen-2) suggests that this variant is likely to be tolerated. In summary, the available evidence is currently insufficient to determine the role of this variant in disease. Therefore, it has been classified as a Variant of Uncertain Significance.

Ambry Genetics
Classification: Uncertain significance. Last evaluated: 2022-06-24. Review status: criteria provided, single submitter. Criteria: Ambry Variant Classification Scheme 2023. Collection method: clinical testing. Allele origin: germline.